The following is an entry in ClinVar:

ClinVar aggregate classification (germline): Conflicting classifications of pathogenicity. Review status: criteria provided, conflicting classifications (1 of 4 stars). 2 submissions from 2 submitters: Likely pathogenic (1); Uncertain significance (1). Last evaluated 2025-09-24.

Conditions:
Autosomal recessive polycystic kidney disease (ARPKD). Also called: AR polycystic kidney disease. Identifiers: Orphanet 731, Orphanet 8378, MedGen C0085548, MeSH D017044, MONDO:0009889.
PKHD1-related disorder. Also called: PKHD1-related condition.

gnomAD v4.1: 2 of 1,605,522 alleles (0.00012%); highest among the groups gnomAD compares: African/African-American, 0.0027%; no homozygotes.

Submissions (2):

Labcorp Genetics (formerly Invitae), Labcorp
Classification: Uncertain significance for Autosomal recessive polycystic kidney disease. Last evaluated: 2025-09-24. Review status: criteria provided, single submitter. Criteria: Invitae Variant Classification Sherloc (09022015). Collection method: clinical testing. Allele origin: germline.
Comment: This sequence change falls in intron 24 of the PKHD1 gene. It does not directly change the encoded amino acid sequence of the PKHD1 protein. It affects a nucleotide within the consensus splice site. This variant is not present in population databases (gnomAD no frequency). This variant has been observed in individual(s) with polycystic kidney disease (internal data). Variants that disrupt the consensus splice site are a relatively common cause of aberrant splicing (PMID: 17576681, 9536098). Algorithms developed to predict the effect of sequence changes on RNA splicing suggest that this variant may disrupt the consensus splice site. In summary, the available evidence is currently insufficient to determine the role of this variant in disease. Therefore, it has been classified as a Variant of Uncertain Significance.

Blueprint Genetics
Classification: Likely pathogenic for PKHD1-related disorders. Last evaluated: 2019-11-26. Review status: criteria provided, single submitter. Criteria: ACMG Guidelines, 2015. Collection method: clinical testing. Allele origin: germline. Affected: yes. Observed: 2 variant alleles.

Literature cited by the submitters: PubMed 17576681 (cited by Labcorp Genetics (formerly Invitae), Labcorp); PubMed 9536098 (cited by Labcorp Genetics (formerly Invitae), Labcorp).

NM_138694.4(PKHD1):c.2592+5G>T

Gene: PKHD1 (PKHD1 ciliary IPT domain containing fibrocystin/polyductin; minus strand). Cytogenetic location: 6p12.2.
Variant type: single nucleotide variant.
Coding change: c.2592+5G>T on transcript NM_138694.4 (MANE Select); 5 bases into the intron after coding-DNA position 2592, G replaced by T.
Molecular consequence: intron variant.
Genome position (GRCh38, 1-based): chr6:52,045,999, C>A on the plus strand (G>T on the coding strand, the complement: PKHD1 is on the minus strand). VCF-style: chr6-52045999-C-A. GRCh37 (hg19) VCF-style: chr6-51910797-C-A.
Other names: c.2592+5G>T (NM_170724.3).
Identifiers: ClinVar variation 4754242 (VCV004754242.2).
Genomic context (GRCh38, chr6:52,045,999, plus strand): 5'-TTTTTTTTTTGCAGAATTTCTCCAGGGCAGCAAATCCATGCCACTAGAAGGGATACTATA[C>A]ATACCCTGATAAAATTGGGCAAATCCCCAATCTGAGTGGACCAGGACAAGGTCCACACGT-3'